The following is an entry in ClinVar:

NM_018089.3(ANKZF1):c.2059C>T (p.Arg687Cys)

Gene: ANKZF1 (ankyrin repeat and zinc finger peptidyl tRNA hydrolase 1; plus strand). Cytogenetic location: 2q35.
Variant type: single nucleotide variant.
Coding change: c.2059C>T on transcript NM_018089.3 (MANE Select); coding-DNA position 2059, C replaced by T.
Protein change: p.Arg687Cys; replaces arginine 687 with cysteine.
Molecular consequence: missense variant.
Genome position (GRCh38, 1-based): chr2:219,236,323, C>T. VCF-style: chr2-219236323-C-T. GRCh37 (hg19) VCF-style: chr2-220101045-C-T.
Other names: c.2059C>T (NM_018089.2); c.2059C>T, p.Arg687Cys (NM_001042410.2); c.1429C>T, p.Arg477Cys (NM_001282792.2); short protein forms R477C, R687C.
Identifiers: ClinVar variation 1015537 (VCV001015537.8), dbSNP rs199744152, ClinGen allele CA2121306.

ClinVar aggregate classification (germline): Uncertain significance. Review status: criteria provided, multiple submitters, no conflicts (2 of 4 stars). 2 submissions from 2 submitters: Uncertain significance (2). Last evaluated 2026-01-19.

Allele frequency attached by ClinVar (database versions not stated): 1000 Genomes Project 30x 0.00016; ESP Exome Variant Server 0.00016; gnomAD 0.00016 and 0.00018; 1000 Genomes Project 0.00020; gnomAD exomes 0.00020; ExAC 0.00021; TOPMed 0.00022.
gnomAD v4.1: 351 of 1,614,030 alleles (0.022%); highest among the groups gnomAD compares: Non-Finnish European, 0.023%; 1 homozygote.

Submissions (2):

Labcorp Genetics (formerly Invitae), Labcorp
Classification: Uncertain significance. Last evaluated: 2026-01-19. Review status: criteria provided, single submitter. Criteria: Invitae Variant Classification Sherloc (09022015). Collection method: clinical testing. Allele origin: germline.
Comment: This sequence change replaces arginine, which is basic and polar, with cysteine, which is neutral and slightly polar, at codon 687 of the ANKZF1 protein (p.Arg687Cys). This variant is present in population databases (rs199744152, gnomAD 0.06%). This variant has not been reported in the literature in individuals affected with ANKZF1-related conditions. ClinVar contains an entry for this variant (Variation ID: 1015537). An algorithm developed to predict the effect of missense changes on protein structure and function outputs the following: PolyPhen-2: "Benign". The cysteine amino acid residue is found in multiple mammalian species, which suggests that this missense change does not adversely affect protein function. In summary, the available evidence is currently insufficient to determine the role of this variant in disease. Therefore, it has been classified as a Variant of Uncertain Significance.

Ambry Genetics
Classification: Uncertain significance. Last evaluated: 2021-07-13. Review status: criteria provided, single submitter. Criteria: Ambry Variant Classification Scheme 2023. Collection method: clinical testing. Allele origin: germline.